The following is an entry in ClinVar:

NM_012179.4(FBXO7):c.418-1G>C

Gene: FBXO7 (F-box protein 7; plus strand). Cytogenetic location: 22q12.3.
Variant type: single nucleotide variant.
Coding change: c.418-1G>C on transcript NM_012179.4 (MANE Select); the canonical splice acceptor site of the intron before coding-DNA position 418, G replaced by C.
Molecular consequence: splice acceptor variant.
Genome position (GRCh38, 1-based): chr22:32,483,896, G>C. VCF-style: chr22-32483896-G-C. GRCh37 (hg19) VCF-style: chr22-32879883-G-C.
Other names: c.76-1G>C (NM_001257990.2); c.181-1G>C (NM_001033024.2).
Identifiers: ClinVar variation 2764046 (VCV002764046.3), dbSNP rs2544658938, ClinGen allele CA411330889.

ClinVar aggregate classification (germline): Likely pathogenic (1 of 4 stars; one submission).

Conditions:
Parkinsonian-pyramidal syndrome. Also called: PALLIDOPYRAMIDAL SYNDROME; PARKINSON DISEASE 15, AUTOSOMAL RECESSIVE; PARKINSON DISEASE 15, AUTOSOMAL RECESSIVE EARLY-ONSET. Identifiers: Orphanet 171695, MedGen C1850100, MONDO:0009830, OMIM 260300.

Submission:

Labcorp Genetics (formerly Invitae), Labcorp
Classification: Likely pathogenic for Parkinsonian-pyramidal syndrome. Last evaluated: 2023-09-28. Review status: criteria provided, single submitter. Criteria: Invitae Variant Classification Sherloc (09022015). Collection method: clinical testing. Allele origin: germline.
Comment: In summary, the currently available evidence indicates that the variant is pathogenic, but additional data are needed to prove that conclusively. Therefore, this variant has been classified as Likely Pathogenic. Algorithms developed to predict the effect of sequence changes on RNA splicing suggest that this variant may disrupt the consensus splice site. This variant has not been reported in the literature in individuals affected with FBXO7-related conditions. This variant is not present in population databases (gnomAD no frequency). This sequence change affects an acceptor splice site in intron 2 of the FBXO7 gene. It is expected to disrupt RNA splicing. Variants that disrupt the donor or acceptor splice site typically lead to a loss of protein function (PMID: 16199547), and loss-of-function variants in FBXO7 are known to be pathogenic (PMID: 21347293).

Literature cited by the submitters: PubMed 16199547; PubMed 21347293.